The following is an entry in ClinVar:

NM_001371596.2(MFSD8):c.881C>A (p.Thr294Lys)

Gene: MFSD8 (major facilitator superfamily domain containing 8; minus strand). Cytogenetic location: 4q28.2.
Variant type: single nucleotide variant.
Coding change: c.881C>A on transcript NM_001371596.2 (MANE Select); coding-DNA position 881, C replaced by A.
Protein change: p.Thr294Lys; replaces threonine 294 with lysine.
Molecular consequence: missense variant.
Genome position (GRCh38, 1-based): chr4:127,930,800, G>T on the plus strand (C>A on the coding strand, the complement: MFSD8 is on the minus strand). VCF-style: chr4-127930800-G-T. GRCh37 (hg19) VCF-style: chr4-128851955-G-T.
Other names: c.881C>A; c.680C>A, p.Thr227Lys (NM_001363520.3); c.566C>A, p.Thr189Lys (NM_001363521.3); c.746C>A, p.Thr249Lys (NM_001371590.2); c.881C>A, p.Thr294Lys (NM_001371591.2, NM_152778.4); c.887C>A, p.Thr296Lys (NM_001371592.2); c.767C>A, p.Thr256Lys (NM_001371593.2, NM_001410766.1); c.734C>A, p.Thr245Lys (NM_001371594.2); and 2 more; short protein forms T294K, T189K, T227K, T200K, T245K, T249K, T256K, T296K.
Identifiers: ClinVar variation 1006 (VCV000001006.27), dbSNP rs140948465, ClinGen allele CA339858.

ClinVar aggregate classification (germline): Pathogenic/Likely pathogenic. Review status: criteria provided, multiple submitters, no conflicts (2 of 4 stars). 10 submissions from 10 submitters: Pathogenic (6); Likely pathogenic (2). 2 of the submissions do not count toward it. Last evaluated 2025-09-12.

Conditions:
MFSD8-related disorders.
Inborn genetic diseases. Identifiers: MedGen C0950123, MeSH D030342.
Late-infantile neuronal ceroid lipofuscinosis. Also called: Jansky-Bielschowsky disease. Identifiers: MedGen C0022340, MONDO:0015674.
Neuronal ceroid lipofuscinosis 7 (CLN7). Also called: MFSD8-Related Neuronal Ceroid-Lipofuscinosis. Identifiers: Orphanet 168491, Orphanet 228366, MedGen C1838571, MONDO:0012588, OMIM 610951.

gnomAD v4.1: 5 of 1,609,136 alleles (0.00031%); highest among the groups gnomAD compares: Non-Finnish European, 0.00042%; no homozygotes.

Submissions (10):

Natera, Inc.
Classification: Pathogenic for Late-infantile neuronal ceroid lipofuscinosis. Last evaluated: 2025-09-12. Review status: criteria provided, single submitter. Criteria: Natera Variant Classification Schema (03/2026). Collection method: clinical testing. Allele origin: germline.
Comment: The c.881C>A variant in MFSD8 is a missense variant predicted to cause substitution of threonine to lysine at amino acid 294. This variant is rare in the general population with a frequency below the threshold expected for the associated phenotype(s). This variant has been observed in one or more individuals affected with the associated recessive disease, as either homozygous or compound heterozygous with a second variant (PMID: 25439737, 22612257, 26075876, 19177532, 19201763). Additionally, this variant has been observed to segregate in affected family members (PMID: 34469436). Computational prediction algorithms indicate this variant is likely to affect gene or protein function. Given the available evidence, this variant is classified as Pathogenic.

GeneDx
Classification: Pathogenic. Last evaluated: 2024-06-11. Review status: criteria provided, single submitter. Criteria: GeneDx Variant Classification Process June 2021. Collection method: clinical testing. Allele origin: germline. Affected: yes.
Comment: Published functional studies demonstrate a damaging effect with this variant significantly reducing MFSD8 protein function (PMID: 34910516); In silico analysis supports that this missense variant has a deleterious effect on protein structure/function; Not observed at significant frequency in large population cohorts (gnomAD); This variant is associated with the following publications: (PMID: 30548430, 35457110, 19177532, 34469436, 22668694, 34910516, 25439737, 19201763)

Labcorp Genetics (formerly Invitae), Labcorp
Classification: Pathogenic for Neuronal ceroid lipofuscinosis 7. Last evaluated: 2023-11-27. Review status: criteria provided, single submitter. Criteria: Invitae Variant Classification Sherloc (09022015). Collection method: clinical testing. Allele origin: germline.
Comment: This sequence change replaces threonine, which is neutral and polar, with lysine, which is basic and polar, at codon 294 of the MFSD8 protein (p.Thr294Lys). This variant is present in population databases (rs140948465, gnomAD 0.0009%). This missense change has been observed in individual(s) with clinical features of neuronal ceroid lipofuscinosis (PMID: 19177532, 19201763, 25439737). In at least one individual the data is consistent with being in trans (on the opposite chromosome) from a pathogenic variant. ClinVar contains an entry for this variant (Variation ID: 1006). Advanced modeling of protein sequence and biophysical properties (such as structural, functional, and spatial information, amino acid conservation, physicochemical variation, residue mobility, and thermodynamic stability) performed at Invitae indicates that this missense variant is expected to disrupt MFSD8 protein function with a positive predictive value of 80%. Experimental studies have shown that this missense change affects MFSD8 function (PMID: 22668694). For these reasons, this variant has been classified as Pathogenic.

MGZ Medical Genetics Center
Classification: Pathogenic for Neuronal ceroid lipofuscinosis 7. Last evaluated: 2021-10-22. Review status: criteria provided, single submitter. Criteria: ACMG Guidelines, 2015. Collection method: clinical testing. Allele origin: germline. Affected: yes. Observed: 1 variant allele.
Comment: ACMG criteria applied: PS3, PM1, PM3, PM2_SUP, PP2, PP3

Revvity Omics, Revvity
Classification: Likely pathogenic. Last evaluated: 2021-06-14. Review status: criteria provided, single submitter. Criteria: ACMG Guidelines, 2015. Collection method: clinical testing. Allele origin: germline.

Blueprint Genetics
Classification: Pathogenic for MFSD8-related disorders. Last evaluated: 2020-08-25. Review status: criteria provided, single submitter. Criteria: ACMG Guidelines, 2015. Collection method: clinical testing. Allele origin: germline. Affected: yes. Observed: 5 variant alleles.

Ambry Genetics
Classification: Pathogenic for Inborn genetic diseases. Last evaluated: 2018-09-10. Review status: criteria provided, single submitter. Criteria: Ambry Variant Classification Scheme 2023. Collection method: clinical testing. Allele origin: germline.
Comment: The p.T294K pathogenic mutation (also known as c.881C>A), located in coding exon 9 of the MFSD8 gene, results from a C to A substitution at nucleotide position 881. The threonine at codon 294 is replaced by lysine, an amino acid with similar properties. This mutation has been reported in the homozygous state in multiple individuals with neuronal ceroid lipofuscinosis (NCL) and has been suggested to be a founder mutation in the Roma Gypsy population (Kousi M et al. Brain, 2009 Mar;132:810-9; (Aiello C et al. Hum. Mutat., 2009 Mar;30:E530-40). This mutation was also reported with a splice site variant in trans in an individual with NCL (Craiu D et al. Eur. J. Paediatr. Neurol., 2015 Jan;19:78-86). In COS7 cells, this mutation altered Ctsl-mediated proteolytic cleavage (Steenhuis P et al. Biochim. Biophys. Acta, 2012 Oct;1822:1617-28). Based on the supporting evidence, this alteration is interpreted as a disease-causing mutation.

Institute of Human Genetics Munich, TUM University Hospital
Classification: Likely pathogenic for Neuronal ceroid lipofuscinosis 7. Last evaluated: 2017-11-16. Review status: criteria provided, single submitter. Criteria: Classification criteria August 2017. Collection method: clinical testing. Allele origin: inherited, germline. Inheritance: Autosomal recessive inheritance. Affected: yes. Observed: 2 homozygotes.

GeneReviews
Classification: Pathogenic for Neuronal Ceroid-Lipofuscinoses. Last evaluated: 2013-08-01. Review status: no assertion criteria provided. Collection method: curation. Allele origin: unknown. Not counted in ClinVar's aggregate classification.
ClinVar note: Converted during submission from pathologic to Pathogenic.

OMIM
Classification: Pathogenic for CEROID LIPOFUSCINOSIS, NEURONAL, 7. Last evaluated: 2009-03-01. Review status: no assertion criteria provided. Collection method: literature only. Allele origin: germline. Not counted in ClinVar's aggregate classification.

Literature cited by the submitters: PubMed 25439737 (cited by 3 submitters); PubMed 22612257 (cited by Natera, Inc.); PubMed 26075876 (cited by Natera, Inc.); PubMed 19177532 (cited by 3 submitters); PubMed 19201763 (cited by 4 submitters); PubMed 34469436 (cited by Natera, Inc.); PubMed 22668694 (cited by Labcorp Genetics (formerly Invitae), Labcorp and Ambry Genetics).